The following is an entry in ClinVar:

ClinVar aggregate classification (germline): Uncertain significance (1 of 4 stars; one submission).

Conditions:
Hypertrophic cardiomyopathy 2. Also called: TNNT2-Related Familial Hypertrophic Cardiomyopathy. Identifiers: MedGen C1861864, MONDO:0007266, OMIM 115195.
Dilated cardiomyopathy 1D. Identifiers: Orphanet 154, Orphanet 54260, MedGen C1832243, MONDO:0011095, OMIM 601494.
Cardiomyopathy, familial restrictive, 3. Identifiers: Orphanet 75249, MedGen C2676271, MONDO:0012900, OMIM 612422.

Submission:

Labcorp Genetics (formerly Invitae), Labcorp
Classification: Uncertain significance for Cardiomyopathy, familial restrictive, 3; Hypertrophic cardiomyopathy 2; Dilated cardiomyopathy 1D. Last evaluated: 2025-01-06. Review status: criteria provided, single submitter. Criteria: Invitae Variant Classification Sherloc (09022015). Collection method: clinical testing. Allele origin: germline.
Comment: This sequence change replaces methionine, which is neutral and non-polar, with isoleucine, which is neutral and non-polar, at codon 181 of the TNNT2 protein (p.Met181Ile). This variant is not present in population databases (gnomAD no frequency). This variant has not been reported in the literature in individuals affected with TNNT2-related conditions. ClinVar contains an entry for this variant (Variation ID: 941508). Invitae Evidence Modeling of protein sequence and biophysical properties (such as structural, functional, and spatial information, amino acid conservation, physicochemical variation, residue mobility, and thermodynamic stability) indicates that this missense variant is not expected to disrupt TNNT2 protein function with a negative predictive value of 80%. In summary, the available evidence is currently insufficient to determine the role of this variant in disease. Therefore, it has been classified as a Variant of Uncertain Significance.

NM_001276345.2(TNNT2):c.573G>A (p.Met191Ile)

Gene: TNNT2 (troponin T2, cardiac type; minus strand). Cytogenetic location: 1q32.1.
Variant type: single nucleotide variant.
Coding change: c.573G>A on transcript NM_001276345.2 (MANE Select); coding-DNA position 573, G replaced by A.
Protein change: p.Met191Ile; replaces methionine 191 with isoleucine.
Molecular consequence: missense variant.
Genome position (GRCh38, 1-based): chr1:201,363,323, C>T on the plus strand (G>A on the coding strand, the complement: TNNT2 is on the minus strand). VCF-style: chr1-201363323-C-T. GRCh37 (hg19) VCF-style: chr1-201332451-C-T.
Other names: c.573G>A, p.Met191Ile (NM_000364.4); c.543G>A, p.Met181Ile (NM_001001430.3, NM_001001431.3, NM_001276347.2); c.528G>A, p.Met176Ile (NM_001001432.3); c.453G>A, p.Met151Ile (NM_001276346.2); short protein forms M191I, M151I, M176I, M181I.
Identifiers: ClinVar variation 941508 (VCV000941508.9), dbSNP rs876658028, ClinGen allele CA344204332.